The following is an entry in ClinVar:

ClinVar aggregate classification (germline): Uncertain significance (1 of 4 stars; one submission).

Allele frequency attached by ClinVar (database versions not stated): gnomAD exomes below 0.00001.
gnomAD v4.1: 3 of 1,613,906 alleles (0.00019%); highest among the groups gnomAD compares: Non-Finnish European, 0.00025%; no homozygotes.

Submission:

Labcorp Genetics (formerly Invitae), Labcorp
Classification: Uncertain significance. Last evaluated: 2023-09-05. Review status: criteria provided, single submitter. Criteria: Invitae Variant Classification Sherloc (09022015). Collection method: clinical testing. Allele origin: germline.
Comment: In summary, the available evidence is currently insufficient to determine the role of this variant in disease. Therefore, it has been classified as a Variant of Uncertain Significance. Advanced modeling of protein sequence and biophysical properties (such as structural, functional, and spatial information, amino acid conservation, physicochemical variation, residue mobility, and thermodynamic stability) performed at Invitae indicates that this missense variant is not expected to disrupt TUBB3 protein function. This variant has not been reported in the literature in individuals affected with TUBB3-related conditions. This variant is not present in population databases (gnomAD no frequency). This sequence change replaces threonine, which is neutral and polar, with methionine, which is neutral and non-polar, at codon 386 of the TUBB3 protein (p.Thr386Met).

NM_006086.4(TUBB3):c.1157C>T (p.Thr386Met)

Gene: TUBB3 (tubulin beta 3 class III; plus strand). Cytogenetic location: 16q24.3.
Variant type: single nucleotide variant.
Coding change: c.1157C>T on transcript NM_006086.4 (MANE Select); coding-DNA position 1157, C replaced by T.
Protein change: p.Thr386Met; replaces threonine 386 with methionine.
Molecular consequence: missense variant.
Genome position (GRCh38, 1-based): chr16:89,935,608, C>T. VCF-style: chr16-89935608-C-T. GRCh37 (hg19) VCF-style: chr16-90002016-C-T.
Other names: c.941C>T, p.Thr314Met (NM_001197181.2); short protein forms T386M, T314M.
Identifiers: ClinVar variation 2988943 (VCV002988943.3), dbSNP rs2151093088, ClinGen allele CA397476852.